The following is an entry in ClinVar:

NM_153614.4(DNAJB13):c.899C>G (p.Thr300Ser)

Gene: DNAJB13 (DnaJ heat shock protein family (Hsp40) member B13; plus strand). Cytogenetic location: 11q13.4.
Variant type: single nucleotide variant.
Coding change: c.899C>G on transcript NM_153614.4 (MANE Select); coding-DNA position 899, C replaced by G.
Protein change: p.Thr300Ser; replaces threonine 300 with serine.
Molecular consequence: missense variant.
Genome position (GRCh38, 1-based): chr11:73,970,062, C>G. VCF-style: chr11-73970062-C-G. GRCh37 (hg19) VCF-style: chr11-73681107-C-G.
Other names: c.725C>G, p.Thr242Ser (NM_001377263.1); c.737C>G, p.Thr246Ser (NM_001441321.1); short protein forms T246S, T300S, T242S.
Identifiers: ClinVar variation 4741529 (VCV004741529.1).

ClinVar aggregate classification (germline): Uncertain significance (1 of 4 stars; one submission).

gnomAD v4.1: 1 of 1,611,298 alleles (0.000062%); highest among the groups gnomAD compares: Non-Finnish European, 0.000085%; no homozygotes.

Submission:

Labcorp Genetics (formerly Invitae), Labcorp
Classification: Uncertain significance. Last evaluated: 2025-11-06. Review status: criteria provided, single submitter. Criteria: Invitae Variant Classification Sherloc (09022015). Collection method: clinical testing. Allele origin: germline.
Comment: This sequence change replaces threonine, which is neutral and polar, with serine, which is neutral and polar, at codon 300 of the DNAJB13 protein (p.Thr300Ser). This variant is present in population databases (rs772768069, gnomAD 0.0009%). This variant has not been reported in the literature in individuals affected with DNAJB13-related conditions. Invitae Evidence Modeling of protein sequence and biophysical properties (such as structural, functional, and spatial information, amino acid conservation, physicochemical variation, residue mobility, and thermodynamic stability) indicates that this missense variant is not expected to disrupt DNAJB13 protein function with a negative predictive value of 80%. In summary, the available evidence is currently insufficient to determine the role of this variant in disease. Therefore, it has been classified as a Variant of Uncertain Significance.